The following is an entry in ClinVar:

ClinVar aggregate classification (germline): Likely benign. Review status: criteria provided, single submitter (1 of 4 stars). 2 submissions from 2 submitters: Likely benign (1). 1 of the submissions does not count toward it. Last evaluated 2025-06-30.

Conditions:
PCNT-related disorder. Also called: PCNT-related condition.

Allele frequency attached by ClinVar (database versions not stated): TOPMed 0.00005; gnomAD exomes 0.00007.
gnomAD v4.1: 26 of 1,613,952 alleles (0.0016%); highest among the groups gnomAD compares: Admixed American, 0.037%; no homozygotes.

Submissions (2):

Labcorp Genetics (formerly Invitae), Labcorp
Classification: Likely benign. Last evaluated: 2025-06-30. Review status: criteria provided, single submitter. Criteria: Invitae Variant Classification Sherloc (09022015). Collection method: clinical testing. Allele origin: germline.

PreventionGenetics, part of Exact Sciences
Classification: Likely benign for PCNT-related condition. Last evaluated: 2022-03-02. Review status: no assertion criteria provided. Collection method: clinical testing. Allele origin: germline. Not counted in ClinVar's aggregate classification.
Comment: This variant is classified as likely benign based on ACMG/AMP sequence variant interpretation guidelines (Richards et al. 2015 PMID: 25741868, with internal and published modifications).

NM_006031.6(PCNT):c.1491T>G (p.Arg497=)

Gene: PCNT (pericentrin; plus strand). Cytogenetic location: 21q22.3.
Variant type: single nucleotide variant.
Coding change: c.1491T>G on transcript NM_006031.6 (MANE Select); coding-DNA position 1491, T replaced by G.
Protein change: p.Arg497=; no amino-acid change (arginine 497 retained).
Molecular consequence: synonymous variant.
Genome position (GRCh38, 1-based): chr21:46,353,138, T>G. VCF-style: chr21-46353138-T-G. GRCh37 (hg19) VCF-style: chr21-47773052-T-G.
Other names: c.1137T>G, p.Arg379= (NM_001315529.2).
Identifiers: ClinVar variation 709131 (VCV000709131.8), dbSNP rs750149641, ClinGen allele CA10078654.
Genomic context (GRCh38, chr21:46,353,138, plus strand): 5'-GATTGCCTGACTCCGTTATGTTGCAGAGCTACATGAGCAACTCCTGGCGCGCACCTCTCG[T>G]GTGGAAGATTTAGAACAGCTGAAGCAGCGAGAAAAAACCCAGCATGAGTCCGAACTGGAG-3'
Protein context (NP_006022.3, residues 487-507): LHEQLLARTS[Arg497=]VEDLEQLKQR